The following is an entry in ClinVar:

NM_001378454.1(ALMS1):c.1236C>T (p.Thr412=)

Gene: ALMS1 (ALMS1 centrosome and basal body associated protein; plus strand). Cytogenetic location: 2p13.1.
Variant type: single nucleotide variant.
Coding change: c.1236C>T on transcript NM_001378454.1 (MANE Select); coding-DNA position 1236, C replaced by T.
Protein change: p.Thr412=; no amino-acid change (threonine 412 retained).
Molecular consequence: synonymous variant.
Genome position (GRCh38, 1-based): chr2:73,424,901, C>T. VCF-style: chr2-73424901-C-T. GRCh37 (hg19) VCF-style: chr2-73652029-C-T.
Other names: c.1239C>T, p.Thr413= (NM_015120.4).
Identifiers: ClinVar variation 2028385 (VCV002028385.4), dbSNP rs2466047678, ClinGen allele CA426769495.
Genomic context (GRCh38, chr2:73,424,901, plus strand): 5'-TTCATATGGGCAGTATTGGACACAGGAAGATTCATCTAAGCAGGCAGAAACATATTTAAC[C>T]AGTAAGTACCCTGATTCTTTTTCAGATTCATCTGACACAATTGATAAAAATAAAATTCCC-3'
Protein context (NP_001365383.1, residues 402-422): DSSKQAETYL[Thr412=]KGLQGKVESD

ClinVar aggregate classification (germline): Uncertain significance (1 of 4 stars; one submission).

Conditions:
Alstrom syndrome (ALMS). Identifiers: Orphanet 64, MedGen C0268425, MONDO:0008763, OMIM 203800.

Submission:

Labcorp Genetics (formerly Invitae), Labcorp
Classification: Uncertain significance for Alstrom syndrome. Last evaluated: 2022-09-01. Review status: criteria provided, single submitter. Criteria: Invitae Variant Classification Sherloc (09022015). Collection method: clinical testing. Allele origin: germline.
Comment: In summary, the available evidence is currently insufficient to determine the role of this variant in disease. Therefore, it has been classified as a Variant of Uncertain Significance. Experimental studies and prediction algorithms are not available or were not evaluated, and the effect of this variant on mRNA splicing is currently unknown. This variant has not been reported in the literature in individuals affected with ALMS1-related conditions. This variant is not present in population databases (gnomAD no frequency). This sequence change affects codon 413 of the ALMS1 mRNA. It is a 'silent' change, meaning that it does not change the encoded amino acid sequence of the ALMS1 protein. It affects a nucleotide within the consensus splice site.